The following is an entry in ClinVar:

ClinVar aggregate classification (germline): Likely benign (1 of 4 stars; one submission).

Submission:

CeGaT Center for Human Genetics Tuebingen
Classification: Likely benign. Last evaluated: 2026-04-01. Review status: criteria provided, single submitter. Criteria: CeGaT Center For Human Genetics Tuebingen Variant Classification Criteria Version 2. Collection method: clinical testing. Allele origin: germline. Affected: yes. Observed: 2 variant alleles.
Comment: PPP1R3F: BP4, BS2

NM_033215.5(PPP1R3F):c.-17CCG[6]

Genes: PPP1R3F (protein phosphatase 1 regulatory subunit 3F; plus strand), LOC130068282 (ATAC-STARR-seq lymphoblastoid silent region 20845; plus strand). Cytogenetic location: Xp11.23.
Variant type: Microsatellite.
Coding change: c.-17CCG[6] on transcript NM_033215.5 (MANE Select); six copies in a row of the 3-base unit CCG starting at c.-17; the reference has five copies in a row; one copy, 3 bases duplicated.
Molecular consequence: 5 prime UTR variant.
Genome position (GRCh38, 1-based): chrX:49,269,865-49,269,867, CCG duplicated; duplicating any 3 consecutive bases within chrX:49,269,852-49,269,867 gives the same sequence; the position shown is the placement nearest the transcript's 3' end. VCF-style (leftmost placement, unchanged base first): chrX-49269851-T-TGCC. GRCh37 (hg19) VCF-style: chrX-49126314-T-TGCC.
Other names: c.-112CCG[6] (NM_001184745.2).
Identifiers: ClinVar variation 4681335 (VCV004681335.5).